The following is an entry in ClinVar:

ClinVar aggregate classification (germline): Likely benign (1 of 4 stars; one submission).

gnomAD v4.1: 121 of 997,496 alleles (0.012%); highest among the groups gnomAD compares: Middle Eastern, 0.028%; 21 homozygotes.

Submission:

CeGaT Center for Human Genetics Tuebingen
Classification: Likely benign. Last evaluated: 2026-05-01. Review status: criteria provided, single submitter. Criteria: CeGaT Center For Human Genetics Tuebingen Variant Classification Criteria Version 2. Collection method: clinical testing. Allele origin: germline. Affected: yes. Observed: 2 variant alleles.
Comment: POTEM: BP4, BP7

NM_001145442.1(POTEM):c.369C>T (p.Tyr123=)

Gene: POTEM (POTE ankyrin domain family member M; plus strand). Cytogenetic location: 14q11.2.
Variant type: single nucleotide variant.
Coding change: c.369C>T on transcript NM_001145442.1 (MANE Select); coding-DNA position 369, C replaced by T.
Protein change: p.Tyr123=; no amino-acid change (tyrosine 123 retained).
Molecular consequence: synonymous variant.
Genome position (GRCh38, 1-based): chr14:18,967,854, C>T. VCF-style: chr14-18967854-C-T. GRCh37 (hg19) VCF-style: chr14-20019852-G-A.
Identifiers: ClinVar variation 3770902 (VCV003770902.13).